The following is an entry in ClinVar:

ClinVar aggregate classification (germline): Uncertain significance. Review status: criteria provided, multiple submitters, no conflicts (2 of 4 stars). 3 submissions from 3 submitters: Uncertain significance (3). Last evaluated 2025-03-18.

Conditions:
Inborn genetic diseases. Identifiers: MedGen C0950123, MeSH D030342.
SLC12A2-related disorder. Also called: SLC12A2-related disorders; SLC12A2-related condition.

gnomAD v4.1: 8 of 1,613,978 alleles (0.0005%); highest among the groups gnomAD compares: African/African-American, 0.0027%; no homozygotes.

Submissions (3):

Labcorp Genetics (formerly Invitae), Labcorp
Classification: Uncertain significance. Last evaluated: 2025-03-18. Review status: criteria provided, single submitter. Criteria: Invitae Variant Classification Sherloc (09022015). Collection method: clinical testing. Allele origin: germline.
Comment: This sequence change replaces alanine, which is neutral and non-polar, with threonine, which is neutral and polar, at codon 377 of the SLC12A2 protein (p.Ala377Thr). This variant is present in population databases (no rsID available, gnomAD 0.0009%). This variant has not been reported in the literature in individuals affected with SLC12A2-related conditions. ClinVar contains an entry for this variant (Variation ID: 2634842). Invitae Evidence Modeling of protein sequence and biophysical properties (such as structural, functional, and spatial information, amino acid conservation, physicochemical variation, residue mobility, and thermodynamic stability) indicates that this missense variant is not expected to disrupt SLC12A2 protein function with a negative predictive value of 80%. In summary, the available evidence is currently insufficient to determine the role of this variant in disease. Therefore, it has been classified as a Variant of Uncertain Significance.

Ambry Genetics
Classification: Uncertain significance for Inborn genetic diseases. Last evaluated: 2023-12-19. Review status: criteria provided, single submitter. Criteria: Ambry Variant Classification Scheme 2023. Collection method: clinical testing. Allele origin: germline.

PreventionGenetics, part of Exact Sciences
Classification: Uncertain significance for SLC12A2-related condition. Last evaluated: 2023-01-30. Review status: criteria provided, single submitter. Criteria: ACMG Guidelines, 2015. Collection method: clinical testing. Allele origin: germline.
Comment: The SLC12A2 c.1129G>A variant is predicted to result in the amino acid substitution p.Ala377Thr. To our knowledge, this variant has not been reported in the literature. This variant is reported in 0.00088% of alleles in individuals of European (Non-Finnish) descent in gnomAD. At this time, the clinical significance of this variant is uncertain due to the absence of conclusive functional and genetic evidence.

NM_001046.3(SLC12A2):c.1129G>A (p.Ala377Thr)

Gene: SLC12A2 (solute carrier family 12 member 2; plus strand). Cytogenetic location: 5q23.3.
Variant type: single nucleotide variant.
Coding change: c.1129G>A on transcript NM_001046.3 (MANE Select); coding-DNA position 1129, G replaced by A.
Protein change: p.Ala377Thr; replaces alanine 377 with threonine.
Molecular consequence: missense variant. On other transcripts: non-coding transcript variant (1).
Genome position (GRCh38, 1-based): chr5:128,131,147, G>A. VCF-style: chr5-128131147-G-A. GRCh37 (hg19) VCF-style: chr5-127466839-G-A.
Other names: c.1129G>A, p.Ala377Thr (NM_001256461.2); short protein forms A377T.
Identifiers: ClinVar variation 2634842 (VCV002634842.3), dbSNP rs1271697920, ClinGen allele CA360741151.